The following is an entry in ClinVar:

ClinVar aggregate classification (germline): Uncertain significance. Review status: criteria provided, multiple submitters, no conflicts (2 of 4 stars). 5 submissions from 5 submitters: Uncertain significance (5). Last evaluated 2026-05-01.

Conditions:
Acrocallosal syndrome (ACLS). Also called: HALLUX DUPLICATION, POSTAXIAL POLYDACTYLY, AND ABSENCE OF CORPUS CALLOSUM; Schinzel syndrome 1; Absence of corpus callosum with unusual facial appearance, mental deficiency, duplication of the halluces and polydactyly. Identifiers: Orphanet 36, MedGen C0796147, MONDO:0008708, OMIM 200990.
Multiple epiphyseal dysplasia, Al-Gazali type. Also called: Macrocephaly with multiple epiphyseal dysplasia and distinctive facies. Identifiers: Orphanet 166024, MedGen C1846722, MONDO:0011778, OMIM 607131.
Hydrolethalus syndrome 2 (HLS2). Identifiers: Orphanet 2189, MedGen C3279899, MONDO:0013585, OMIM 614120.

Allele frequency attached by ClinVar (database versions not stated): gnomAD 0.00002 and 0.00003; gnomAD exomes 0.00005 and 0.00011; ExAC 0.00014; 1000 Genomes Project 30x 0.00016; 1000 Genomes Project 0.00020; ESP Exome Variant Server 0.00023; TOPMed 0.00010.
gnomAD v4.1: 74 of 1,612,540 alleles (0.0046%); highest among the groups gnomAD compares: East Asian, 0.058%; no homozygotes.

Submissions (5):

CeGaT Center for Human Genetics Tuebingen
Classification: Uncertain significance. Last evaluated: 2026-05-01. Review status: criteria provided, single submitter. Criteria: CeGaT Center For Human Genetics Tuebingen Variant Classification Criteria Version 2. Collection method: clinical testing. Allele origin: germline. Affected: yes. Observed: 1 variant allele.
Comment: KIF7: PM2

GeneDx
Classification: Uncertain significance. Last evaluated: 2024-10-24. Review status: criteria provided, single submitter. Criteria: GeneDx Variant Classification Process June 2021. Collection method: clinical testing. Allele origin: germline. Affected: yes.
Comment: Reported as a single heterozygous variant of uncertain significance in a patient with autosomal dominant polycystic kidney disease undergoing whole exome sequencing (PMID: 36833371); In silico analysis supports that this missense variant has a deleterious effect on protein structure/function; This variant is associated with the following publications: (PMID: 36833371)

Blueprint Genetics
Classification: Uncertain significance. Last evaluated: 2024-10-07. Review status: criteria provided, single submitter. Criteria: ACMG Guidelines, 2015. Collection method: clinical testing. Allele origin: germline.

Fulgent Genetics
Classification: Uncertain significance for Acrocallosal syndrome; Multiple epiphyseal dysplasia, Al-Gazali type; Hydrolethalus syndrome 2. Last evaluated: 2024-04-22. Review status: criteria provided, single submitter. Criteria: ACMG Guidelines, 2015. Collection method: clinical testing. Allele origin: germline.

Labcorp Genetics (formerly Invitae), Labcorp
Classification: Uncertain significance for Acrocallosal syndrome. Last evaluated: 2022-09-06. Review status: criteria provided, single submitter. Criteria: Invitae Variant Classification Sherloc (09022015). Collection method: clinical testing. Allele origin: germline.
Comment: This sequence change replaces arginine, which is basic and polar, with tryptophan, which is neutral and slightly polar, at codon 826 of the KIF7 protein (p.Arg826Trp). This variant is present in population databases (rs139711238, gnomAD 0.09%). This variant has not been reported in the literature in individuals affected with KIF7-related conditions. ClinVar contains an entry for this variant (Variation ID: 1442677). Algorithms developed to predict the effect of missense changes on protein structure and function (SIFT, PolyPhen-2, Align-GVGD) all suggest that this variant is likely to be disruptive. In summary, the available evidence is currently insufficient to determine the role of this variant in disease. Therefore, it has been classified as a Variant of Uncertain Significance.

NM_198525.3(KIF7):c.2476C>T (p.Arg826Trp)

Gene: KIF7 (kinesin family member 7; minus strand). Cytogenetic location: 15q26.1.
Variant type: single nucleotide variant.
Coding change: c.2476C>T on transcript NM_198525.3 (MANE Select); coding-DNA position 2476, C replaced by T.
Protein change: p.Arg826Trp; replaces arginine 826 with tryptophan.
Molecular consequence: missense variant.
Genome position (GRCh38, 1-based): chr15:89,633,802, G>A on the plus strand (C>T on the coding strand, the complement: KIF7 is on the minus strand). VCF-style: chr15-89633802-G-A. GRCh37 (hg19) VCF-style: chr15-90177033-G-A.
Other names: c.2476C>T (NM_198525.2); short protein forms R826W.
Identifiers: ClinVar variation 1442677 (VCV001442677.10), dbSNP rs139711238, ClinGen allele CA7728136.